The following is an entry in ClinVar:

ClinVar aggregate classification (germline): Conflicting classifications of pathogenicity. Review status: criteria provided, conflicting classifications (1 of 4 stars). 2 submissions from 2 submitters: Uncertain significance (1); Likely benign (1). Last evaluated 2026-01-28.

Conditions:
Nemaline myopathy 2 (NEM2). Also called: Nemaline myopathy 2, autosomal recessive. Identifiers: MedGen C1850569, MONDO:0009725, OMIM 256030.

Allele frequency attached by ClinVar (database versions not stated): 1000 Genomes Project 30x 0.00016; 1000 Genomes Project 0.00020; ESP Exome Variant Server 0.00025; gnomAD 0.00026; TOPMed 0.00029.
gnomAD v4.1: 67 of 1,613,912 alleles (0.0042%); highest among the groups gnomAD compares: African/African-American, 0.088%; no homozygotes.

Submissions (2):

Labcorp Genetics (formerly Invitae), Labcorp
Classification: Likely benign for Nemaline myopathy 2. Last evaluated: 2026-01-28. Review status: criteria provided, single submitter. Criteria: Invitae Variant Classification Sherloc (09022015). Collection method: clinical testing. Allele origin: germline.

GeneDx
Classification: Uncertain significance. Last evaluated: 2019-11-19. Review status: criteria provided, single submitter. Criteria: GeneDx Variant Classification Process June 2021. Collection method: clinical testing. Allele origin: germline. Affected: yes.
Comment: In silico analysis, which includes splice predictors and evolutionary conservation, supports that this variant does not alter protein structure/function; Has not been previously published as pathogenic or benign to our knowledge

NM_001164508.2(NEB):c.2049C>G (p.Gly683=)

Gene: NEB (nebulin; minus strand). Cytogenetic location: 2q23.3.
Variant type: single nucleotide variant.
Coding change: c.2049C>G on transcript NM_001164508.2 (MANE Select); coding-DNA position 2049, C replaced by G.
Protein change: p.Gly683=; no amino-acid change (glycine 683 retained).
Molecular consequence: synonymous variant.
Genome position (GRCh38, 1-based): chr2:151,692,116, G>C on the plus strand (C>G on the coding strand, the complement: NEB is on the minus strand). VCF-style: chr2-151692116-G-C. GRCh37 (hg19) VCF-style: chr2-152548630-G-C.
Other names: c.2049C>G, p.Gly683= (NM_001164507.2, NM_001271208.2, NM_004543.5).
Identifiers: ClinVar variation 534070 (VCV000534070.14), dbSNP rs372609682, ClinGen allele CA1911350.